The following is an entry in ClinVar:

ClinVar aggregate classification (germline): Uncertain significance (1 of 4 stars; one submission).

Conditions:
Dilated cardiomyopathy 1O (CMD1O). Also called: CARDIOMYOPATHY, DILATED, WITH VENTRICULAR TACHYCARDIA. Identifiers: Orphanet 154, MedGen C1837839, MONDO:0012062, OMIM 608569.

Submission:

Labcorp Genetics (formerly Invitae), Labcorp
Classification: Uncertain significance for Dilated cardiomyopathy 1O. Last evaluated: 2022-02-09. Review status: criteria provided, single submitter. Criteria: Invitae Variant Classification Sherloc (09022015). Collection method: clinical testing. Allele origin: germline.
Comment: In summary, the available evidence is currently insufficient to determine the role of this variant in disease. Therefore, it has been classified as a Variant of Uncertain Significance. Algorithms developed to predict the effect of missense changes on protein structure and function are either unavailable or do not agree on the potential impact of this missense change (SIFT: "Deleterious"; PolyPhen-2: "Benign"; Align-GVGD: "Class C0"). This variant has not been reported in the literature in individuals affected with ABCC9-related conditions. This variant is not present in population databases (gnomAD no frequency). This sequence change replaces methionine, which is neutral and non-polar, with threonine, which is neutral and polar, at codon 997 of the ABCC9 protein (p.Met997Thr).

NM_020297.4(ABCC9):c.2990T>C (p.Met997Thr)

Gene: ABCC9 (ATP binding cassette subfamily C member 9; minus strand). Cytogenetic location: 12p12.1.
Variant type: single nucleotide variant.
Coding change: c.2990T>C on transcript NM_020297.4 (MANE Select); coding-DNA position 2990, T replaced by C.
Protein change: p.Met997Thr; replaces methionine 997 with threonine.
Molecular consequence: missense variant.
Genome position (GRCh38, 1-based): chr12:21,845,709, A>G on the plus strand (T>C on the coding strand, the complement: ABCC9 is on the minus strand). VCF-style: chr12-21845709-A-G. GRCh37 (hg19) VCF-style: chr12-21998643-A-G.
Other names: c.2990T>C, p.Met997Thr (NM_001377273.1, NM_005691.4); c.2123T>C, p.Met708Thr (NM_001377274.1); short protein forms M708T, M997T.
Identifiers: ClinVar variation 2089341 (VCV002089341.4), dbSNP rs2541079479, ClinGen allele CA384119999.